The following is an entry in ClinVar:

NM_138691.3(TMC1):c.562_563dup (p.Phe189fs)

Gene: TMC1 (transmembrane channel like 1; plus strand). Cytogenetic location: 9q21.13.
Variant type: Duplication.
Coding change: c.562_563dup on transcript NM_138691.3 (MANE Select); coding-DNA positions 562 to 563, 2 bases duplicated (TA; older notation c.562_563dupTA).
Protein change: p.Phe189fs; shifts the reading frame from phenylalanine 189.
Molecular consequence: frameshift variant.
Genome position (GRCh38, 1-based): chr9:72,751,876-72,751,877, TA duplicated; duplicating any 2 consecutive bases within chr9:72,751,875-72,751,877 gives the same sequence; the c. name uses the placement nearest the transcript's 3' end. VCF-style (leftmost placement, unchanged base first): chr9-72751874-C-CAT. GRCh37 (hg19) VCF-style: chr9-75366790-C-CAT.
Other names: short protein forms F189fs.
Identifiers: ClinVar variation 2760082 (VCV002760082.3), dbSNP rs2489834670, ClinGen allele CA2697557761.

ClinVar aggregate classification (germline): Pathogenic (1 of 4 stars; one submission).

Submission:

Labcorp Genetics (formerly Invitae), Labcorp
Classification: Pathogenic. Last evaluated: 2023-09-11. Review status: criteria provided, single submitter. Criteria: Invitae Variant Classification Sherloc (09022015). Collection method: clinical testing. Allele origin: germline.
Comment: For these reasons, this variant has been classified as Pathogenic. This variant has not been reported in the literature in individuals affected with TMC1-related conditions. This variant is not present in population databases (gnomAD no frequency). This sequence change creates a premature translational stop signal (p.Phe189Thrfs*5) in the TMC1 gene. It is expected to result in an absent or disrupted protein product. Loss-of-function variants in TMC1 are known to be pathogenic (PMID: 11850618, 22105175).

Literature cited by the submitters: PubMed 11850618; PubMed 22105175.